The following is an entry in ClinVar:

ClinVar aggregate classification (germline): Likely benign (1 of 4 stars; one submission).

Allele frequency attached by ClinVar (database versions not stated): 1000 Genomes Project 0.01458; 1000 Genomes Project 30x 0.01499; TOPMed 0.01959; gnomAD 0.02022 and 0.02036.
gnomAD v4.1: 3,088 of 152,166 alleles (2%); highest among the groups gnomAD compares: Non-Finnish European, 2.7%; 40 homozygotes.

Submission:

GeneDx
Classification: Likely benign. Last evaluated: 2018-06-14. Review status: criteria provided, single submitter. Criteria: GeneDx Variant Classification (06012015). Collection method: clinical testing. Allele origin: germline. Affected: yes.
Comment: This variant is considered likely benign or benign based on one or more of the following criteria: it is a conservative change, it occurs at a poorly conserved position in the protein, it is predicted to be benign by multiple in silico algorithms, and/or has population frequency not consistent with disease.

NM_001005242.3(PKP2):c.1170+258G>T

Gene: PKP2 (plakophilin 2; minus strand). Cytogenetic location: 12p11.21.
Variant type: single nucleotide variant.
Coding change: c.1170+258G>T on transcript NM_001005242.3 (MANE Select); 258 bases into the intron after coding-DNA position 1170, G replaced by T.
Molecular consequence: intron variant.
Genome position (GRCh38, 1-based): chr12:32,868,669, C>A on the plus strand (G>T on the coding strand, the complement: PKP2 is on the minus strand). VCF-style: chr12-32868669-C-A. GRCh37 (hg19) VCF-style: chr12-33021603-C-A.
Other names: c.1170+258G>T (NM_004572.4).
Identifiers: ClinVar variation 669437 (VCV000669437.1), dbSNP rs138264987, ClinGen allele CA235259653.